The following is an entry in ClinVar:

ClinVar aggregate classification (germline): Uncertain significance (1 of 4 stars; one submission).

Conditions:
Rhabdoid tumor predisposition syndrome 2 (RTPS2). Identifiers: Orphanet 231108, Orphanet 69077, MedGen C2750074, MONDO:0013224, OMIM 613325.

Submission:

Labcorp Genetics (formerly Invitae), Labcorp
Classification: Uncertain significance for Rhabdoid tumor predisposition syndrome 2. Last evaluated: 2023-04-20. Review status: criteria provided, single submitter. Criteria: Invitae Variant Classification Sherloc (09022015). Collection method: clinical testing. Allele origin: germline.
Comment: This variant has not been reported in the literature in individuals affected with SMARCA4-related conditions. In summary, the available evidence is currently insufficient to determine the role of this variant in disease. Therefore, it has been classified as a Variant of Uncertain Significance. Advanced modeling of protein sequence and biophysical properties (such as structural, functional, and spatial information, amino acid conservation, physicochemical variation, residue mobility, and thermodynamic stability) has been performed at Invitae for this missense variant, however the output from this modeling did not meet the statistical confidence thresholds required to predict the impact of this variant on SMARCA4 protein function. ClinVar contains an entry for this variant (Variation ID: 2096780). This variant is not present in population databases (gnomAD no frequency). This sequence change replaces glycine, which is neutral and non-polar, with arginine, which is basic and polar, at codon 394 of the SMARCA4 protein (p.Gly394Arg).

NM_003072.5(SMARCA4):c.1180G>C (p.Gly394Arg)

Gene: SMARCA4 (SWI/SNF related BAF chromatin remodeling complex subunit ATPase 4; plus strand). Cytogenetic location: 19p13.2.
Variant type: single nucleotide variant.
Coding change: c.1180G>C on transcript NM_003072.5 (MANE Select); coding-DNA position 1180, G replaced by C.
Protein change: p.Gly394Arg; replaces glycine 394 with arginine.
Molecular consequence: missense variant. On other transcripts: non-coding transcript variant (1).
Genome position (GRCh38, 1-based): chr19:10,989,378, G>C. VCF-style: chr19-10989378-G-C. GRCh37 (hg19) VCF-style: chr19-11100054-G-C.
Other names: c.1180G>C, p.Gly394Arg (NM_001128844.3, NM_001128845.2, NM_001128846.2 and 6 more transcripts); short protein forms G394R.
Identifiers: ClinVar variation 2096780 (VCV002096780.4), dbSNP rs1046318786, ClinGen allele CA404059583.
Genomic context (GRCh38, chr19:10,989,378, plus strand): 5'-CTGCAGGCTCGCATCGCACACCGAATTCAGGAACTTGAAAACCTTCCCGGGTCCCTGGCC[G>C]GGGATTTGCGAACCAAAGCGACCATTGAGCTCAAGGCCCTCAGGCTGCTGAACTTCCAGA-3'
Protein context (NP_003063.2, residues 384-404): ELENLPGSLA[Gly394Arg]DLRTKATIEL